The following is an entry in ClinVar:

NM_000085.5(CLCNKB):c.1766T>C (p.Ile589Thr)

Genes: CLCNKB (chloride voltage-gated channel Kb; plus strand), LOC106501713 (CLCNKB recombination region; plus strand). Cytogenetic location: 1p36.13.
Variant type: single nucleotide variant.
Coding change: c.1766T>C on transcript NM_000085.5 (MANE Select); coding-DNA position 1766, T replaced by C.
Protein change: p.Ile589Thr; replaces isoleucine 589 with threonine.
Molecular consequence: missense variant.
Genome position (GRCh38, 1-based): chr1:16,055,444, T>C. VCF-style: chr1-16055444-T-C. GRCh37 (hg19) VCF-style: chr1-16381939-T-C.
Other names: c.1259T>C, p.Ile420Thr (NM_001165945.2); short protein forms I420T, I589T.
Identifiers: ClinVar variation 2121835 (VCV002121835.4), dbSNP rs2524401078, ClinGen allele CA338644639.

ClinVar aggregate classification (germline): Uncertain significance (1 of 4 stars; one submission).

Allele frequency attached by ClinVar (database versions not stated): gnomAD exomes below 0.00001.
gnomAD v4.1: 2 of 1,613,078 alleles (0.00012%); highest among the groups gnomAD compares: Non-Finnish European, 0.00017%; no homozygotes.

Submission:

Labcorp Genetics (formerly Invitae), Labcorp
Classification: Uncertain significance. Last evaluated: 2022-04-05. Review status: criteria provided, single submitter. Criteria: Invitae Variant Classification Sherloc (09022015). Collection method: clinical testing. Allele origin: germline.
Comment: This variant has not been reported in the literature in individuals affected with CLCNKB-related conditions. In summary, the available evidence is currently insufficient to determine the role of this variant in disease. Therefore, it has been classified as a Variant of Uncertain Significance. Advanced modeling of protein sequence and biophysical properties (such as structural, functional, and spatial information, amino acid conservation, physicochemical variation, residue mobility, and thermodynamic stability) performed at Invitae indicates that this missense variant is not expected to disrupt CLCNKB protein function. This variant is not present in population databases (gnomAD no frequency). This sequence change replaces isoleucine, which is neutral and non-polar, with threonine, which is neutral and polar, at codon 589 of the CLCNKB protein (p.Ile589Thr).